The following is an entry in ClinVar:

ClinVar aggregate classification (germline): Uncertain significance (1 of 4 stars; one submission).

Conditions:
Inborn genetic diseases. Identifiers: MedGen C0950123, MeSH D030342.

Submission:

Ambry Genetics
Classification: Uncertain significance for Inborn genetic diseases. Last evaluated: 2026-09-08. Review status: criteria provided, single submitter. Criteria: Ambry Variant Classification Scheme 2023. Collection method: clinical testing. Allele origin: germline.
Comment: The p.R678G variant (also known as c.2032A>G), located in coding exon 13 of the ASXL1 gene, results from an A to G substitution at nucleotide position 2032. The arginine at codon 678 is replaced by glycine, an amino acid with dissimilar properties. This amino acid position is conserved. In addition, this alteration is predicted to be tolerated by in silico analysis. Based on the available evidence, the clinical significance of this variant remains unclear.

NM_015338.6(ASXL1):c.2032A>G (p.Arg678Gly)

Gene: ASXL1 (ASXL transcriptional regulator 1; plus strand). Cytogenetic location: 20q11.21.
Variant type: single nucleotide variant.
Coding change: c.2032A>G on transcript NM_015338.6 (MANE Select); coding-DNA position 2032, A replaced by G.
Protein change: p.Arg678Gly; replaces arginine 678 with glycine.
Molecular consequence: missense variant.
Genome position (GRCh38, 1-based): chr20:32,434,744, A>G. VCF-style: chr20-32434744-A-G. GRCh37 (hg19) VCF-style: chr20-31022547-A-G.
Other names: c.1849A>G, p.Arg617Gly (NM_001363734.1); short protein forms R617G, R678G.
Identifiers: ClinVar variation 5030556 (VCV005030556.1).